The following is an entry in ClinVar:

NM_003124.5(SPR):c.363C>G (p.Asn121Lys)

Gene: SPR (sepiapterin reductase; plus strand). Cytogenetic location: 2p13.2.
Variant type: single nucleotide variant.
Coding change: c.363C>G on transcript NM_003124.5 (MANE Select); coding-DNA position 363, C replaced by G.
Protein change: p.Asn121Lys; replaces asparagine 121 with lysine.
Molecular consequence: missense variant.
Genome position (GRCh38, 1-based): chr2:72,888,372, C>G. VCF-style: chr2-72888372-C-G. GRCh37 (hg19) VCF-style: chr2-73115501-C-G.
Other names: short protein forms N121K.
Identifiers: ClinVar variation 935314 (VCV000935314.4), dbSNP rs776995364, ClinGen allele CA1708939.

ClinVar aggregate classification (germline): Uncertain significance. Review status: criteria provided, multiple submitters, no conflicts (2 of 4 stars). 2 submissions from 2 submitters: Uncertain significance (2). Last evaluated 2022-04-11.

Conditions:
Dystonic disorder. Also called: Dystonia. Identifiers: MedGen C0013421, MONDO:0003441, HP:0001332.

Allele frequency attached by ClinVar (database versions not stated): ExAC 0.00001; gnomAD 0.00001; gnomAD exomes 0.00001 and 0.00002; TOPMed 0.00001.

Submissions (2):

Labcorp Genetics (formerly Invitae), Labcorp
Classification: Uncertain significance for Dystonic disorder. Last evaluated: 2022-04-11. Review status: criteria provided, single submitter. Criteria: Invitae Variant Classification Sherloc (09022015). Collection method: clinical testing. Allele origin: germline.
Comment: This sequence change replaces asparagine, which is neutral and polar, with lysine, which is basic and polar, at codon 121 of the SPR protein (p.Asn121Lys). This variant is present in population databases (rs776995364, gnomAD 0.004%). This variant has not been reported in the literature in individuals affected with SPR-related conditions. ClinVar contains an entry for this variant (Variation ID: 935314). Algorithms developed to predict the effect of missense changes on protein structure and function (SIFT, PolyPhen-2, Align-GVGD) all suggest that this variant is likely to be disruptive. In summary, the available evidence is currently insufficient to determine the role of this variant in disease. Therefore, it has been classified as a Variant of Uncertain Significance.

GeneDx
Classification: Uncertain significance. Last evaluated: 2019-07-08. Review status: criteria provided, single submitter. Criteria: GeneDx Variant Classification Process June 2021. Collection method: clinical testing. Allele origin: germline. Affected: yes.
Comment: Not observed at a significant frequency in large population cohorts (Lek et al., 2016); In silico analysis, which includes protein predictors and evolutionary conservation, supports that this variant does not alter protein structure/function; Has not been previously published as pathogenic or benign to our knowledge